The following is an entry in ClinVar:

ClinVar aggregate classification (germline): Uncertain significance (1 of 4 stars; one submission).

Conditions:
RAI1-related disorder. Also called: RAI1-related condition.

gnomAD v4.1: 2 of 1,613,794 alleles (0.00012%); highest among the groups gnomAD compares: African/African-American, 0.0027%; no homozygotes.

Submission:

PreventionGenetics, part of Exact Sciences
Classification: Uncertain significance for RAI1-related condition. Last evaluated: 2026-06-16. Review status: criteria provided, single submitter. Criteria: ACMG Guidelines, 2015. Collection method: clinical testing. Allele origin: germline.
Comment: The RAI1 c.4825A>G variant is predicted to result in the amino acid substitution p.Thr1609Ala. To our knowledge, this variant has not been reported in the literature. This variant is reported in 0.0040% of alleles in individuals of African descent in gnomAD. At this time, the clinical significance of this variant is uncertain due to the absence of conclusive functional and genetic evidence.

NM_030665.4(RAI1):c.4825A>G (p.Thr1609Ala)

Gene: RAI1 (retinoic acid induced 1; plus strand). Cytogenetic location: 17p11.2.
Variant type: single nucleotide variant.
Coding change: c.4825A>G on transcript NM_030665.4 (MANE Select); coding-DNA position 4825, A replaced by G.
Protein change: p.Thr1609Ala; replaces threonine 1609 with alanine.
Molecular consequence: missense variant.
Genome position (GRCh38, 1-based): chr17:17,797,773, A>G. VCF-style: chr17-17797773-A-G. GRCh37 (hg19) VCF-style: chr17-17701087-A-G.
Other names: short protein forms T1609A.
Identifiers: ClinVar variation 4987944 (VCV004987944.1).